The following is an entry in ClinVar:

NM_016148.5(SHANK1):c.2515C>A (p.Pro839Thr)

Gene: SHANK1 (SH3 and multiple ankyrin repeat domains 1; minus strand). Cytogenetic location: 19q13.33.
Variant type: single nucleotide variant.
Coding change: c.2515C>A on transcript NM_016148.5 (MANE Select); coding-DNA position 2515, C replaced by A.
Protein change: p.Pro839Thr; replaces proline 839 with threonine.
Molecular consequence: missense variant.
Genome position (GRCh38, 1-based): chr19:50,686,299, G>T on the plus strand (C>A on the coding strand, the complement: SHANK1 is on the minus strand). VCF-style: chr19-50686299-G-T. GRCh37 (hg19) VCF-style: chr19-51189556-G-T.
Other names: short protein forms P839T.
Identifiers: ClinVar variation 3371385 (VCV003371385.1).

ClinVar aggregate classification (germline): Uncertain significance (1 of 4 stars; one submission).

Submission:

GeneDx
Classification: Uncertain significance. Last evaluated: 2024-03-26. Review status: criteria provided, single submitter. Criteria: GeneDx Variant Classification Process June 2021. Collection method: clinical testing. Allele origin: germline. Affected: yes.
Comment: Not observed at significant frequency in large population cohorts (gnomAD); In silico analysis supports that this missense variant has a deleterious effect on protein structure/function; Has not been previously published as pathogenic or benign to our knowledge